The following is an entry in ClinVar:

NM_005529.7(HSPG2):c.9112G>A (p.Asp3038Asn)

Gene: HSPG2 (heparan sulfate proteoglycan 2; minus strand). Cytogenetic location: 1p36.12.
Variant type: single nucleotide variant.
Coding change: c.9112G>A on transcript NM_005529.7 (MANE Select); coding-DNA position 9112, G replaced by A.
Protein change: p.Asp3038Asn; replaces aspartic acid 3038 with asparagine.
Molecular consequence: missense variant.
Genome position (GRCh38, 1-based): chr1:21,842,083, C>T on the plus strand (G>A on the coding strand, the complement: HSPG2 is on the minus strand). VCF-style: chr1-21842083-C-T. GRCh37 (hg19) VCF-style: chr1-22168576-C-T.
Other names: c.9115G>A, p.Asp3039Asn (NM_001291860.2); short protein forms D3038N, D3039N.
Identifiers: ClinVar variation 1490918 (VCV001490918.10), dbSNP rs62642511, ClinGen allele CA19108002.

ClinVar aggregate classification (germline): Uncertain significance. Review status: criteria provided, multiple submitters, no conflicts (2 of 4 stars). 2 submissions from 2 submitters: Uncertain significance (2). Last evaluated 2020-12-19.

Allele frequency attached by ClinVar (database versions not stated): gnomAD exomes below 0.00001; gnomAD 0.00001; TOPMed 0.00003; ESP Exome Variant Server 0.00008.
gnomAD v4.1: 47 of 1,613,584 alleles (0.0029%); highest among the groups gnomAD compares: Non-Finnish European, 0.0039%; no homozygotes.

Submissions (2):

Labcorp Genetics (formerly Invitae), Labcorp
Classification: Uncertain significance. Last evaluated: 2020-12-19. Review status: criteria provided, single submitter. Criteria: Invitae Variant Classification Sherloc (09022015). Collection method: clinical testing. Allele origin: germline.
Comment: This sequence change replaces aspartic acid with asparagine at codon 3038 of the HSPG2 protein (p.Asp3038Asn). The aspartic acid residue is weakly conserved and there is a small physicochemical difference between aspartic acid and asparagine. In summary, the available evidence is currently insufficient to determine the role of this variant in disease. Therefore, it has been classified as a Variant of Uncertain Significance. Algorithms developed to predict the effect of missense changes on protein structure and function output the following: SIFT: "Tolerated"; PolyPhen-2: "Possibly Damaging"; Align-GVGD: "Class C0". The asparagine amino acid residue is found in multiple mammalian species, suggesting that this missense change does not adversely affect protein function. These predictions have not been confirmed by published functional studies and their clinical significance is uncertain. This variant has not been reported in the literature in individuals with HSPG2-related conditions. This variant is not present in population databases (ExAC no frequency).

Revvity Omics, Revvity
Classification: Uncertain significance. Last evaluated: 2019-10-29. Review status: criteria provided, single submitter. Criteria: ACMG Guidelines, 2015. Collection method: clinical testing. Allele origin: germline.